The following is an entry in ClinVar:

NM_024675.4(PALB2):c.991G>C (p.Glu331Gln)

Gene: PALB2 (partner and localizer of BRCA2; minus strand). Cytogenetic location: 16p12.2.
Variant type: single nucleotide variant.
Coding change: c.991G>C on transcript NM_024675.4 (MANE Select); coding-DNA position 991, G replaced by C.
Protein change: p.Glu331Gln; replaces glutamic acid 331 with glutamine.
Molecular consequence: missense variant.
Genome position (GRCh38, 1-based): chr16:23,635,555, C>G on the plus strand (G>C on the coding strand, the complement: PALB2 is on the minus strand). VCF-style: chr16-23635555-C-G. GRCh37 (hg19) VCF-style: chr16-23646876-C-G.
Other names: short protein forms E331Q.
Identifiers: ClinVar variation 241574 (VCV000241574.22), dbSNP rs878855126, ClinGen allele CA10583378.
Genomic context (GRCh38, chr16:23,635,555, plus strand): 5'-TTTGATTTTGTTCTTTTAAGTTTTGGTTTTCATTTGCTGGTAAGTTATTGTAGGTGAGTT[C>G]ATTTAGAGAACATGAAATATTTGCCTCTAAATTAGAACTTGTGGGCAGTTGGCCACTTTT-3'
Protein context (NP_078951.2, residues 321-341): LEANISCSLN[Glu331Gln]LTYNNLPANE

ClinVar aggregate classification (germline): Uncertain significance. Review status: criteria provided, multiple submitters, no conflicts (2 of 4 stars). 6 submissions from 6 submitters: Uncertain significance (5). 1 of the submissions does not count toward it. Last evaluated 2025-12-09.

Conditions:
Hereditary cancer-predisposing syndrome. Also called: Tumor predisposition; Neoplastic Syndromes, Hereditary; Hereditary Cancer Syndrome; Hereditary neoplastic syndrome. Identifiers: Orphanet 140162, MedGen C0027672, MeSH D009386, MONDO:0015356.
Familial cancer of breast. Also called: Hereditary breast cancer; BREAST CANCER, FAMILIAL; hereditary breast carcinoma. Identifiers: Orphanet 227535, MedGen C0346153, MONDO:0016419, OMIM 114480. Disease mechanism: loss of function.

Allele frequency attached by ClinVar (database versions not stated): TOPMed below 0.00001; gnomAD exomes 0.00001.
gnomAD v4.1: 3 of 1,612,940 alleles (0.00019%); highest among the groups gnomAD compares: Non-Finnish European, 0.00025%; no homozygotes.

Submissions (6):

Labcorp Genetics (formerly Invitae), Labcorp
Classification: Uncertain significance for Familial cancer of breast. Last evaluated: 2025-12-09. Review status: criteria provided, single submitter. Criteria: Invitae Variant Classification Sherloc (09022015). Collection method: clinical testing. Allele origin: germline.
Comment: This sequence change replaces glutamic acid, which is acidic and polar, with glutamine, which is neutral and polar, at codon 331 of the PALB2 protein (p.Glu331Gln). This variant is not present in population databases (gnomAD no frequency). This variant has not been reported in the literature in individuals affected with PALB2-related conditions. ClinVar contains an entry for this variant (Variation ID: 241574). Invitae Evidence Modeling of protein sequence and biophysical properties (such as structural, functional, and spatial information, amino acid conservation, physicochemical variation, residue mobility, and thermodynamic stability) indicates that this missense variant is expected to disrupt PALB2 protein function with a positive predictive value of 80%. In summary, the available evidence is currently insufficient to determine the role of this variant in disease. Therefore, it has been classified as a Variant of Uncertain Significance.

Ambry Genetics
Classification: Uncertain significance for Hereditary cancer-predisposing syndrome. Last evaluated: 2025-01-11. Review status: criteria provided, single submitter. Criteria: Ambry Variant Classification Scheme 2023. Collection method: clinical testing. Allele origin: germline.
Comment: The p.E331Q variant (also known as c.991G>C), located in coding exon 4 of the PALB2 gene, results from a G to C substitution at nucleotide position 991. The glutamic acid at codon 331 is replaced by glutamine, an amino acid with highly similar properties. This amino acid position is not well conserved in available vertebrate species. In addition, this alteration is predicted to be tolerated by in silico analysis. Since supporting evidence is limited at this time, the clinical significance of this alteration remains unclear.

GeneDx
Classification: Uncertain significance. Last evaluated: 2024-03-05. Review status: criteria provided, single submitter. Criteria: GeneDx Variant Classification Process June 2021. Collection method: clinical testing. Allele origin: germline. Affected: yes.
Comment: Not observed at significant frequency in large population cohorts (gnomAD); In silico analysis supports that this missense variant does not alter protein structure/function; Published in vitro functional study is inconclusive on whether this variant affects PALB2 function (PMID: 33964450); This variant is associated with the following publications: (PMID: 33964450)

Baylor Genetics
Classification: Uncertain significance for Familial cancer of breast. Last evaluated: 2024-01-27. Review status: criteria provided, single submitter. Criteria: ACMG Guidelines, 2015. Collection method: clinical testing. Allele origin: unknown.

Color Diagnostics, LLC DBA Color Health
Classification: Uncertain significance for Hereditary cancer-predisposing syndrome. Last evaluated: 2021-08-17. Review status: criteria provided, single submitter. Criteria: ACMG Guidelines, 2015. Collection method: clinical testing. Allele origin: germline.
Comment: This missense variant replaces glutamic acid with glutamine at codon 331 of the PALB2 protein. Computational prediction suggests that this variant may not impact protein structure and function (internally defined REVEL score threshold <= 0.5, PMID: 27666373). A functional study has reported that this variant does not impact PALB2 function in a homology-directed repair assay (PMID: 33964450). This variant has not been reported in individuals affected with hereditary cancer in the literature. This variant has not been identified in the general population by the Genome Aggregation Database (gnomAD). The available evidence is insufficient to determine the role of this variant in disease conclusively. Therefore, this variant is classified as a Variant of Uncertain Significance.

True Health Diagnostics
Classification: Uncertain significance for Hereditary cancer-predisposing syndrome. Last evaluated: 2018-06-05. Review status: no assertion criteria provided. Collection method: clinical testing. Allele origin: germline. Not counted in ClinVar's aggregate classification.